The following is an entry in ClinVar:

NM_000077.5(CDKN2A):c.377T>G (p.Val126Gly)

Gene: CDKN2A (cyclin dependent kinase inhibitor 2A; minus strand). Cytogenetic location: 9p21.3.
Variant type: single nucleotide variant.
Coding change: c.377T>G on transcript NM_000077.5; coding-DNA position 377, T replaced by G.
Protein change: p.Val126Gly; replaces valine 126 with glycine.
Molecular consequence: missense variant (on NM_000077.6). On other transcripts: 3 prime UTR variant (2).
Genome position (GRCh38, 1-based): chr9:21,970,982, A>C on the plus strand (T>G on the coding strand, the complement: CDKN2A is on the minus strand). VCF-style: chr9-21970982-A-C. GRCh37 (hg19) VCF-style: chr9-21970981-A-C.
Other names: c.377T>G, p.Val126Gly (NM_000077.6, NM_001195132.2); c.224T>G, p.Val75Gly (NM_001363763.2); c.*21T>G (NM_058195.4); c.*300T>G (NM_058197.5); short protein forms V75G, V126G.
Identifiers: ClinVar variation 3723847 (VCV003723847.3).

ClinVar aggregate classification (germline): Uncertain significance. Review status: criteria provided, multiple submitters, no conflicts (2 of 4 stars). 2 submissions from 2 submitters: Uncertain significance (2). Last evaluated 2025-01-07.

Conditions:
Familial melanoma. Also called: Hereditary melanoma; Hereditary cutaneous melanoma. Identifiers: Orphanet 618, MedGen C1512419, MONDO:0018961.
Hereditary cancer-predisposing syndrome. Also called: Hereditary neoplastic syndrome; Neoplastic Syndromes, Hereditary; Tumor predisposition; Hereditary Cancer Syndrome. Identifiers: Orphanet 140162, MedGen C0027672, MeSH D009386, MONDO:0015356.

Submissions (2):

Color Diagnostics, LLC DBA Color Health
Classification: Uncertain significance for Hereditary cancer-predisposing syndrome. Last evaluated: 2025-01-07. Review status: criteria provided, single submitter. Criteria: ACMG Guidelines, 2015. Collection method: clinical testing. Allele origin: germline.
Comment: The CDKN2A locus encodes two different gene products, p16INK4a and p14ARF. This missense variant replaces valine with glycine at codon 126 of the CDKN2A (p16INK4A) protein. Computational prediction is inconclusive regarding the impact of this variant on protein structure and function. To our knowledge, functional studies have not been reported for this variant. This variant has not been reported in individuals affected with CDKN2A-related disorders in the literature. This variant has not been identified in the general population by the Genome Aggregation Database (gnomAD). A different variant occurring at the same codon, p.Val126Asp, is a well documented pathogenic mutation (ClinVar Variation ID: 9420), indicating that valine at this position is important for CDKN2A protein function. The available evidence is insufficient to determine the role of this variant in disease conclusively. Therefore, this variant is classified as a Variant of Uncertain Significance.

Labcorp Genetics (formerly Invitae), Labcorp
Classification: Uncertain significance for Familial melanoma. Last evaluated: 2024-10-27. Review status: criteria provided, single submitter. Criteria: Invitae Variant Classification Sherloc (09022015). Collection method: clinical testing. Allele origin: germline.
Comment: This sequence change replaces valine, which is neutral and non-polar, with glycine, which is neutral and non-polar, at codon 126 of the CDKN2A (p16INK4a) protein (p.Val126Gly). This variant is not present in population databases (gnomAD no frequency). This variant has not been reported in the literature in individuals affected with CDKN2A (p16INK4a)-related conditions. An algorithm developed to predict the effect of missense changes on protein structure and function (PolyPhen-2) suggests that this variant is likely to be disruptive. This variant disrupts the p.Val126 amino acid residue in CDKN2A (p16INK4a). Other variant(s) that disrupt this residue have been determined to be pathogenic (PMID: 7647780, 7987387, 8668202, 9425228, 10389768, 11595726, 15146471, 16905682). This suggests that this residue is clinically significant, and that variants that disrupt this residue are likely to be disease-causing. In summary, the available evidence is currently insufficient to determine the role of this variant in disease. Therefore, it has been classified as a Variant of Uncertain Significance.

Literature cited by the submitters: PubMed 7647780 (cited by Labcorp Genetics (formerly Invitae), Labcorp); PubMed 7987387 (cited by Labcorp Genetics (formerly Invitae), Labcorp); PubMed 8668202 (cited by Labcorp Genetics (formerly Invitae), Labcorp); PubMed 9425228 (cited by Labcorp Genetics (formerly Invitae), Labcorp); PubMed 10389768 (cited by Labcorp Genetics (formerly Invitae), Labcorp); PubMed 11595726 (cited by Labcorp Genetics (formerly Invitae), Labcorp); PubMed 15146471 (cited by Labcorp Genetics (formerly Invitae), Labcorp); PubMed 16905682 (cited by Labcorp Genetics (formerly Invitae), Labcorp).